The following is an entry in ClinVar:

ClinVar aggregate classification (germline): Uncertain significance (1 of 4 stars; one submission).

Conditions:
Combined oxidative phosphorylation defect type 23. Also called: Combined oxidative phosphorylation deficiency 23. Identifiers: Orphanet 444013, MedGen C5567743, MONDO:0014525, OMIM 616198.

Allele frequency attached by ClinVar (database versions not stated): gnomAD exomes below 0.00001; ExAC 0.00001; gnomAD 0.00001; TOPMed 0.00001.
gnomAD v4.1: 5 of 1,613,702 alleles (0.00031%); highest among the groups gnomAD compares: East Asian, 0.0022%; no homozygotes.

Submission:

Victorian Clinical Genetics Services, Murdoch Childrens Research Institute
Classification: Uncertain significance for Combined oxidative phosphorylation defect type 23. Last evaluated: 2022-06-24. Review status: criteria provided, single submitter. Criteria: ACMG Guidelines, 2015. Collection method: clinical testing. Allele origin: germline. Inheritance: Autosomal recessive inheritance. Affected: yes.
Comment: Based on the classification scheme VCGS_Germline_v1.3.4, this variant is classified as VUS-3A Following criteria are met: 0102 - Loss of function is a known mechanism of disease in this gene and is associated with combined oxidative phosphorylation deficiency 23 (MIM#616198). (I) 0106 - This gene is associated with autosomal recessive disease. (I) 0200 - Variant is predicted to result in a missense amino acid change from arginine to glutamine. (I) 0251 - This variant is heterozygous. (I) 0304 - Variant is present in gnomAD <0.01 for a recessive condition (v2: 1 heterozygote, 0 homozygotes). (SP) 0502 - Missense variant with conflicting in silico predictions and high conservation. (I) 0600 - Variant is located in the annotated MnmE_helical domain (DECIPHER). (I) 0705 - No comparable missense variants have previous evidence for pathogenicity. (I) 0807 - This variant has no previous evidence of pathogenicity. (I) 0905 - No published segregation evidence has been identified for this variant. (I) 1007 - No published functional evidence has been identified for this variant. (I) 1102 - Strong phenotype match for this individual. (I) Legend: (SP) - Supporting pathogenic, (I) - Information, (SB) - Supporting benign

NM_032620.4(GTPBP3):c.1385G>A (p.Arg462Gln)

Gene: GTPBP3 (GTP binding protein 3, mitochondrial; plus strand). Cytogenetic location: 19p13.11.
Variant type: single nucleotide variant.
Coding change: c.1385G>A on transcript NM_032620.4 (MANE Select); coding-DNA position 1385, G replaced by A.
Protein change: p.Arg462Gln; replaces arginine 462 with glutamine.
Molecular consequence: missense variant.
Genome position (GRCh38, 1-based): chr19:17,341,609, G>A. VCF-style: chr19-17341609-G-A. GRCh37 (hg19) VCF-style: chr19-17452418-G-A.
Other names: c.1322G>A, p.Arg441Gln (NM_001128855.3); c.1451G>A, p.Arg484Gln (NM_001195422.1); c.1481G>A, p.Arg494Gln (NM_133644.4); short protein forms R441Q, R462Q, R484Q, R494Q.
Identifiers: ClinVar variation 1699455 (VCV001699455.3), dbSNP rs753748448, ClinGen allele CA9293723.